The following is an entry in ClinVar:

ClinVar aggregate classification (germline): Uncertain significance (1 of 4 stars; one submission).

Conditions:
Idiopathic generalized epilepsy. Also called: Generalised epilepsy; EIG. Identifiers: MedGen C0270850, MONDO:0005579, OMIM 600669.

Submission:

Labcorp Genetics (formerly Invitae), Labcorp
Classification: Uncertain significance for Idiopathic generalized epilepsy. Last evaluated: 2021-08-25. Review status: criteria provided, single submitter. Criteria: Invitae Variant Classification Sherloc (09022015). Collection method: clinical testing. Allele origin: germline.
Comment: In summary, the available evidence is currently insufficient to determine the role of this variant in disease. Therefore, it has been classified as a Variant of Uncertain Significance. Experimental studies and prediction algorithms are not available or were not evaluated, and the functional significance of this variant is currently unknown. This variant has not been reported in the literature in individuals affected with RBFOX3-related conditions. This variant is not present in population databases (ExAC no frequency). This variant, c.545_547del, results in the deletion of 1 amino acid(s) of the RBFOX3 protein (p.Lys182del), but otherwise preserves the integrity of the reading frame.

NM_001350451.2(RBFOX3):c.542AGA[1] (p.Lys182del)

Gene: RBFOX3 (RNA binding fox-1 homolog 3; minus strand). Cytogenetic location: 17q25.3.
Variant type: Microsatellite.
Coding change: c.542AGA[1] on transcript NM_001350451.2 (MANE Select); one copy of the 3-base unit AGA starting at c.542; the reference has two copies in a row; one copy, 3 bases deleted.
Protein change: p.Lys182del; deletes lysine 182.
Molecular consequence: inframe deletion.
Genome position (GRCh38, 1-based): chr17:79,101,605-79,101,607, TCT deleted on the plus strand (AGA on the coding strand, the reverse complement: RBFOX3 is on the minus strand); deleting any 3 consecutive bases within chr17:79,101,605-79,101,611 gives the same sequence; the position shown is the placement nearest the transcript's 3' end. VCF-style (leftmost placement, unchanged base first): chr17-79101604-GTCT-G. GRCh37 (hg19) VCF-style: chr17-77097686-GTCT-G.
Other names: c.542AGA[1], p.Lys182del (NM_001385811.1, NM_001385812.1, NM_001385813.1 and 34 more transcripts); c.539AGA[1], p.Lys181del (NM_001385806.1, NM_001385822.1, NM_001385823.1 and 4 more transcripts); c.449AGA[1], p.Lys151del (NM_001385824.1); c.395AGA[1], p.Lys133del (NM_001385847.1); short protein forms K181del, K151del, K182del, K133del.
Identifiers: ClinVar variation 1515173 (VCV001515173.6), dbSNP rs1568129070, ClinGen allele CA627684303.